The following is an entry in ClinVar:

NM_033026.6(PCLO):c.12398G>C (p.Arg4133Pro)

Gene: PCLO (piccolo presynaptic cytomatrix protein; minus strand). Cytogenetic location: 7q21.11.
Variant type: single nucleotide variant.
Coding change: c.12398G>C on transcript NM_033026.6 (MANE Select); coding-DNA position 12398, G replaced by C.
Protein change: p.Arg4133Pro; replaces arginine 4133 with proline.
Molecular consequence: missense variant.
Genome position (GRCh38, 1-based): chr7:82,915,588, C>G on the plus strand (G>C on the coding strand, the complement: PCLO is on the minus strand). VCF-style: chr7-82915588-C-G. GRCh37 (hg19) VCF-style: chr7-82544904-C-G.
Other names: c.12398G>C, p.Arg4133Pro (NM_014510.3); short protein forms R4133P.
Identifiers: ClinVar variation 1460866 (VCV001460866.8), dbSNP rs752661745, ClinGen allele CA367888566.
Genomic context (GRCh38, chr7:82,915,588, plus strand): 5'-GTATCAGCATGGTAATAATGAGAAAGACCAGCAAGGTGATCTAAGCTCTCTGTCCCTCTA[C>G]GAAATTCCTGTTTAATCTGATGTTTCAGAAGCTTTAACTCGTAAGGATCCTCCATTGGGT-3'
Protein context (NP_149015.2, residues 4123-4143): LLKHQIKQEF[Arg4133Pro]RGTESLDHLA

ClinVar aggregate classification (germline): Uncertain significance (1 of 4 stars; one submission).

gnomAD v4.1: 1 of 1,613,486 alleles (0.000062%); highest among the groups gnomAD compares: Non-Finnish European, 0.000085%; no homozygotes.

Submission:

Labcorp Genetics (formerly Invitae), Labcorp
Classification: Uncertain significance. Last evaluated: 2021-07-24. Review status: criteria provided, single submitter. Criteria: Invitae Variant Classification Sherloc (09022015). Collection method: clinical testing. Allele origin: germline.
Comment: In summary, the available evidence is currently insufficient to determine the role of this variant in disease. Therefore, it has been classified as a Variant of Uncertain Significance. Algorithms developed to predict the effect of missense changes on protein structure and function are either unavailable or do not agree on the potential impact of this missense change (SIFT: "Deleterious"; PolyPhen-2: "Not Available"; Align-GVGD: "Class C0"). This variant has not been reported in the literature in individuals affected with PCLO-related conditions. This variant is not present in population databases (ExAC no frequency). This sequence change replaces arginine with proline at codon 4133 of the PCLO protein (p.Arg4133Pro). The arginine residue is moderately conserved and there is a moderate physicochemical difference between arginine and proline.